The following is an entry in ClinVar:

NM_005739.4(RASGRP1):c.65C>T (p.Ser22Phe)

Gene: RASGRP1 (RAS guanyl releasing protein 1; minus strand). Cytogenetic location: 15q14.
Variant type: single nucleotide variant.
Coding change: c.65C>T on transcript NM_005739.4 (MANE Select); coding-DNA position 65, C replaced by T.
Protein change: p.Ser22Phe; replaces serine 22 with phenylalanine.
Molecular consequence: missense variant.
Genome position (GRCh38, 1-based): chr15:38,559,976, G>A on the plus strand (C>T on the coding strand, the complement: RASGRP1 is on the minus strand). VCF-style: chr15-38559976-G-A. GRCh37 (hg19) VCF-style: chr15-38852177-G-A.
Other names: c.65C>T, p.Ser22Phe (NM_001128602.2, NM_001306086.2); short protein forms S22F.
Identifiers: ClinVar variation 1426642 (VCV001426642.6), dbSNP rs2141200362, ClinGen allele CA391663220.

ClinVar aggregate classification (germline): Uncertain significance (1 of 4 stars; one submission).

Allele frequency attached by ClinVar (database versions not stated): gnomAD exomes below 0.00001.
gnomAD v4.1: 5 of 1,613,260 alleles (0.00031%); highest among the groups gnomAD compares: Non-Finnish European, 0.00034%; no homozygotes.

Submission:

Labcorp Genetics (formerly Invitae), Labcorp
Classification: Uncertain significance. Last evaluated: 2023-12-07. Review status: criteria provided, single submitter. Criteria: Invitae Variant Classification Sherloc (09022015). Collection method: clinical testing. Allele origin: germline.
Comment: This sequence change replaces serine, which is neutral and polar, with phenylalanine, which is neutral and non-polar, at codon 22 of the RASGRP1 protein (p.Ser22Phe). This variant is not present in population databases (gnomAD no frequency). This variant has not been reported in the literature in individuals affected with RASGRP1-related conditions. ClinVar contains an entry for this variant (Variation ID: 1426642). An algorithm developed to predict the effect of missense changes on protein structure and function (PolyPhen-2) suggests that this variant is likely to be tolerated. In summary, the available evidence is currently insufficient to determine the role of this variant in disease. Therefore, it has been classified as a Variant of Uncertain Significance.